The following is an entry in ClinVar:

NM_144773.4(PROKR2):c.390C>T (p.Ser130=)

Gene: PROKR2 (prokineticin receptor 2; minus strand). Cytogenetic location: 20p12.3.
Variant type: single nucleotide variant.
Coding change: c.390C>T on transcript NM_144773.4 (MANE Select); coding-DNA position 390, C replaced by T.
Protein change: p.Ser130=; no amino-acid change (serine 130 retained).
Molecular consequence: synonymous variant.
Genome position (GRCh38, 1-based): chr20:5,313,980, G>A on the plus strand (C>T on the coding strand, the complement: PROKR2 is on the minus strand). VCF-style: chr20-5313980-G-A. GRCh37 (hg19) VCF-style: chr20-5294626-G-A.
Other names: c.390C>T (NM_144773.3).
Identifiers: ClinVar variation 338860 (VCV000338860.39), dbSNP rs144778137, ClinGen allele CA9754365.

ClinVar aggregate classification (germline): Likely benign. Review status: criteria provided, multiple submitters, no conflicts (2 of 4 stars). 9 submissions from 9 submitters: Likely benign (7). 2 of the submissions do not count toward it. Last evaluated 2026-05-13.

Conditions:
Inborn genetic diseases. Identifiers: MedGen C0950123, MeSH D030342.
PROKR2-related disorder. Also called: PROKR2-related condition.
Hypogonadotropic hypogonadism 3 with or without anosmia (HH3). Also called: PROKR2-Related GnRH Deficiency (Kallmann Syndrome 3); HYPOGONADOTROPIC HYPOGONADISM 3 WITH ANOSMIA. Identifiers: Orphanet 478, MedGen C3550478, MONDO:0009482, OMIM 244200.

Allele frequency attached by ClinVar (database versions not stated): ExAC 0.00043; gnomAD exomes 0.00053 and 0.00103; ESP Exome Variant Server 0.00054; gnomAD 0.00054; TOPMed 0.00076.
gnomAD v4.1: 1,595 of 1,614,092 alleles (0.099%); highest among the groups gnomAD compares: Non-Finnish European, 0.13%; 2 homozygotes.

Submissions (9):

Women's Health and Genetics/Laboratory Corporation of America, LabCorp
Classification: Likely benign. Last evaluated: 2026-05-13. Review status: criteria provided, single submitter. Criteria: LabCorp Variant Classification Summary - May 2015. Collection method: clinical testing. Allele origin: germline.

Labcorp Genetics (formerly Invitae), Labcorp
Classification: Likely benign. Last evaluated: 2025-11-25. Review status: criteria provided, single submitter. Criteria: Invitae Variant Classification Sherloc (09022015). Collection method: clinical testing. Allele origin: germline.

CeGaT Center for Human Genetics Tuebingen
Classification: Likely benign. Last evaluated: 2024-05-01. Review status: criteria provided, single submitter. Criteria: CeGaT Center For Human Genetics Tuebingen Variant Classification Criteria Version 2. Collection method: clinical testing. Allele origin: germline. Affected: yes. Observed: 1 variant allele.
Comment: PROKR2: BP4, BP7

Ambry Genetics
Classification: Likely benign for Inborn genetic diseases. Last evaluated: 2023-07-31. Review status: criteria provided, single submitter. Criteria: Ambry Variant Classification Scheme 2023. Collection method: clinical testing. Allele origin: germline.

Fulgent Genetics
Classification: Likely benign for Hypogonadotropic hypogonadism 3 with or without anosmia. Last evaluated: 2021-09-29. Review status: criteria provided, single submitter. Criteria: ACMG Guidelines, 2015. Collection method: clinical testing. Allele origin: unknown.

Illumina Laboratory Services, Illumina
Classification: Likely benign for Hypogonadotropic hypogonadism 3 with or without anosmia. Last evaluated: 2018-01-13. Review status: criteria provided, single submitter. Criteria: ICSL Variant Classification Criteria 13 December 2019. Collection method: clinical testing. Allele origin: germline.
Comment: This variant was observed in the ICSL laboratory as part of a predisposition screen in an ostensibly healthy population. It had not been previously curated by ICSL or reported in the Human Gene Mutation Database (HGMD: prior to June 1st, 2018), and was therefore a candidate for classification through an automated scoring system. Utilizing variant allele frequency, disease prevalence and penetrance estimates, and inheritance mode, an automated score was calculated to assess if this variant is too frequent to cause the disease. Based on the score and internal cut-off values, a variant classified as likely benign is not then subjected to further curation. The score for this variant resulted in a classification of likely benign for this disease.

Breakthrough Genomics
Classification: Likely benign. Review status: criteria provided, single submitter. Criteria: ACMG Guidelines, 2015. Collection method: not provided. Allele origin: germline. Inheritance: Autosomal dominant inheritance. Affected: yes.

Genetic Services Laboratory, University of Chicago
Classification: Likely benign. Last evaluated: 2022-06-27. Review status: no assertion criteria provided. Collection method: clinical testing. Allele origin: germline. Affected: no. Not counted in ClinVar's aggregate classification.

PreventionGenetics, part of Exact Sciences
Classification: Likely benign for PROKR2-related condition. Last evaluated: 2019-12-30. Review status: no assertion criteria provided. Collection method: clinical testing. Allele origin: germline. Not counted in ClinVar's aggregate classification.
Comment: This variant is classified as likely benign based on ACMG/AMP sequence variant interpretation guidelines (Richards et al. 2015 PMID: 25741868, with internal and published modifications).